The following is an entry in ClinVar:

ClinVar aggregate classification (germline): Uncertain significance (1 of 4 stars; one submission).

Conditions:
Hereditary cancer-predisposing syndrome. Also called: Tumor predisposition; Hereditary neoplastic syndrome; Hereditary Cancer Syndrome; Neoplastic Syndromes, Hereditary. Identifiers: Orphanet 140162, MedGen C0027672, MeSH D009386, MONDO:0015356.

Submission:

Ambry Genetics
Classification: Uncertain significance for Hereditary cancer-predisposing syndrome. Last evaluated: 2025-04-30. Review status: criteria provided, single submitter. Criteria: Ambry Variant Classification Scheme 2023. Collection method: clinical testing. Allele origin: germline.
Comment: The p.A1231T variant (also known as c.3691G>A), located in coding exon 25 of the SMARCA4 gene, results from a G to A substitution at nucleotide position 3691. The alanine at codon 1231 is replaced by threonine, an amino acid with similar properties. This amino acid position is highly conserved in available vertebrate species. In addition, this alteration is predicted to be deleterious by in silico analysis. Based on the available evidence, the clinical significance of this variant remains unclear.

NM_003072.5(SMARCA4):c.3691G>A (p.Ala1231Thr)

Gene: SMARCA4 (SWI/SNF related BAF chromatin remodeling complex subunit ATPase 4; plus strand). Cytogenetic location: 19p13.2.
Variant type: single nucleotide variant.
Coding change: c.3691G>A on transcript NM_003072.5 (MANE Select); coding-DNA position 3691, G replaced by A.
Protein change: p.Ala1231Thr; replaces alanine 1231 with threonine.
Molecular consequence: missense variant. On other transcripts: non-coding transcript variant (1).
Genome position (GRCh38, 1-based): chr19:11,033,434, G>A. VCF-style: chr19-11033434-G-A. GRCh37 (hg19) VCF-style: chr19-11144110-G-A.
Other names: c.3691G>A, p.Ala1231Thr (NM_001128844.3, NM_001128845.2, NM_001128846.2 and 6 more transcripts); short protein forms A1231T.
Identifiers: ClinVar variation 3958439 (VCV003958439.1).